The following is an entry in ClinVar:

NM_145045.5(ODAD3):c.1115A>T (p.His372Leu)

Gene: ODAD3 (outer dynein arm docking complex subunit 3; minus strand). Cytogenetic location: 19p13.2.
Variant type: single nucleotide variant.
Coding change: c.1115A>T on transcript NM_145045.5 (MANE Select); coding-DNA position 1115, A replaced by T.
Protein change: p.His372Leu; replaces histidine 372 with leucine.
Molecular consequence: missense variant.
Genome position (GRCh38, 1-based): chr19:11,423,878, T>A on the plus strand (A>T on the coding strand, the complement: ODAD3 is on the minus strand). VCF-style: chr19-11423878-T-A. GRCh37 (hg19) VCF-style: chr19-11534547-T-A.
Other names: c.953A>T, p.His318Leu (NM_001302453.1); c.935A>T, p.His312Leu (NM_001302454.2); short protein forms H372L, H318L, H312L.
Identifiers: ClinVar variation 544217 (VCV000544217.11), dbSNP rs200773510, ClinGen allele CA9212138.

ClinVar aggregate classification (germline): Likely benign. Review status: criteria provided, single submitter (1 of 4 stars). 2 submissions from 2 submitters: Likely benign (1). 1 of the submissions does not count toward it. Last evaluated 2025-02-06.

Conditions:
ODAD3-related disorder. Also called: ODAD3-related condition.
Primary ciliary dyskinesia 30. Also called: CILIARY DYSKINESIA, PRIMARY, 30, WITH OR WITHOUT SITUS INVERSUS. Identifiers: Orphanet 244, MedGen C4015016, MONDO:0014465, OMIM 616037.

Allele frequency attached by ClinVar (database versions not stated): gnomAD exomes 0.00005 and 0.00023; gnomAD 0.00006 and 0.00009; TOPMed 0.00009; ExAC 0.00025; 1000 Genomes Project 0.00060; 1000 Genomes Project 30x 0.00062.

Submissions (2):

Labcorp Genetics (formerly Invitae), Labcorp
Classification: Likely benign for Primary ciliary dyskinesia 30. Last evaluated: 2025-02-06. Review status: criteria provided, single submitter. Criteria: Invitae Variant Classification Sherloc (09022015). Collection method: clinical testing. Allele origin: germline.

PreventionGenetics, part of Exact Sciences
Classification: Likely benign for ODAD3-related condition. Last evaluated: 2022-03-16. Review status: no assertion criteria provided. Collection method: clinical testing. Allele origin: germline. Not counted in ClinVar's aggregate classification.
Comment: This variant is classified as likely benign based on ACMG/AMP sequence variant interpretation guidelines (Richards et al. 2015 PMID: 25741868, with internal and published modifications).